The following is an entry in ClinVar:

ClinVar aggregate classification (germline): Uncertain significance. Review status: criteria provided, multiple submitters, no conflicts (2 of 4 stars). 2 submissions from 2 submitters: Uncertain significance (2). Last evaluated 2025-10-20.

Allele frequency attached by ClinVar (database versions not stated): TOPMed below 0.00001; gnomAD exomes 0.00006; gnomAD 0.00009; 1000 Genomes Project 30x 0.00016; 1000 Genomes Project 0.00020.

Submissions (2):

Labcorp Genetics (formerly Invitae), Labcorp
Classification: Uncertain significance. Last evaluated: 2025-10-20. Review status: criteria provided, single submitter. Criteria: Invitae Variant Classification Sherloc (09022015). Collection method: clinical testing. Allele origin: germline.
Comment: This variant occurs in a non-coding region of the POMP gene. It does not change the encoded amino acid sequence of the POMP protein. This variant is present in population databases (rs547781197, gnomAD 0.09%). This variant has not been reported in the literature in individuals affected with POMP-related conditions. ClinVar contains an entry for this variant (Variation ID: 2993234). In summary, the available evidence is currently insufficient to determine the role of this variant in disease. Therefore, it has been classified as a Variant of Uncertain Significance.

Blueprint Genetics
Classification: Uncertain significance. Last evaluated: 2024-09-12. Review status: criteria provided, single submitter. Criteria: ACMG Guidelines, 2015. Collection method: clinical testing. Allele origin: germline.

NC_000013.11:g.28659090C>T

Gene: POMP (proteasome maturation protein; plus strand). Cytogenetic location: 13q12.3.
Variant type: single nucleotide variant.
Genome position: GRCh38 VCF-style: chr13-28659090-C-T. GRCh37 (hg19) VCF-style: chr13-29233227-C-T.
Identifiers: ClinVar variation 2993234 (VCV002993234.4), dbSNP rs547781197, ClinGen allele CA247677232.